The following is an entry in ClinVar:

ClinVar aggregate classification (germline): Uncertain significance. Review status: criteria provided, multiple submitters, no conflicts (2 of 4 stars). 3 submissions from 3 submitters: Uncertain significance (3). Last evaluated 2025-07-21.

Conditions:
Chuvash polycythemia. Also called: POLYCYTHEMIA, VHL-DEPENDENT. Identifiers: Orphanet 238557, MedGen C1837915, MONDO:0009892, OMIM 263400.
Von Hippel-Lindau syndrome (VHLS). Also called: Von Hippel-Lindau; VHL syndrome; von Hippel–Lindau syndrome. Identifiers: Orphanet 892, MedGen C0019562, MONDO:0008667, OMIM 193300. Disease mechanism: loss of function.
Hereditary cancer-predisposing syndrome. Also called: Neoplastic Syndromes, Hereditary; Hereditary Cancer Syndrome; Tumor predisposition; Hereditary neoplastic syndrome. Identifiers: Orphanet 140162, MedGen C0027672, MeSH D009386, MONDO:0015356.

Submissions (3):

Labcorp Genetics (formerly Invitae), Labcorp
Classification: Uncertain significance for Von Hippel-Lindau syndrome; Chuvash polycythemia. Last evaluated: 2025-07-21. Review status: criteria provided, single submitter. Criteria: Invitae Variant Classification Sherloc (09022015). Collection method: clinical testing. Allele origin: germline.
Comment: This sequence change replaces arginine, which is basic and polar, with glycine, which is neutral and non-polar, at codon 3 of the VHL protein (p.Arg3Gly). This variant is not present in population databases (gnomAD no frequency). This variant has not been reported in the literature in individuals affected with VHL-related conditions. ClinVar contains an entry for this variant (Variation ID: 1035825). Invitae Evidence Modeling of protein sequence and biophysical properties (such as structural, functional, and spatial information, amino acid conservation, physicochemical variation, residue mobility, and thermodynamic stability) indicates that this missense variant is not expected to disrupt VHL protein function with a negative predictive value of 95%. In summary, the available evidence is currently insufficient to determine the role of this variant in disease. Therefore, it has been classified as a Variant of Uncertain Significance.

All of Us Research Program, National Institutes of Health
Classification: Uncertain significance for Von Hippel-Lindau syndrome. Last evaluated: 2023-04-27. Review status: criteria provided, single submitter. Criteria: ACMG Guidelines, 2015. Collection method: clinical testing. Allele origin: germline. Inheritance: Autosomal dominant inheritance. Observed: 1 variant allele, 1 heterozygote.
Comment: This study involves interpretation of variants in research participants for the purpose of population health screening. Participant phenotype was not available at the time of variant classification. Additional details can be found in publication PMID: 35346344, PMCID: PMC8962531

Ambry Genetics
Classification: Uncertain significance for Hereditary cancer-predisposing syndrome. Last evaluated: 2021-03-25. Review status: criteria provided, single submitter. Criteria: Ambry Variant Classification Scheme 2023. Collection method: clinical testing. Allele origin: germline.
Comment: The p.R3G variant (also known as c.7C>G), located in coding exon 1 of the VHL gene, results from a C to G substitution at nucleotide position 7. The arginine at codon 3 is replaced by glycine, an amino acid with dissimilar properties. This amino acid position is not well conserved in available vertebrate species. In addition, this alteration is predicted to be tolerated by in silico analysis. Since supporting evidence is limited at this time, the clinical significance of this alteration remains unclear.

NM_000551.4(VHL):c.7C>G (p.Arg3Gly)

Gene: VHL (von Hippel-Lindau tumor suppressor; plus strand). Cytogenetic location: 3p25.3.
Variant type: single nucleotide variant.
Coding change: c.7C>G on transcript NM_000551.4 (MANE Select); coding-DNA position 7, C replaced by G.
Protein change: p.Arg3Gly; replaces arginine 3 with glycine.
Molecular consequence: missense variant.
Genome position (GRCh38, 1-based): chr3:10,141,854, C>G. VCF-style: chr3-10141854-C-G. GRCh37 (hg19) VCF-style: chr3-10183538-C-G.
Other names: c.7C>G, p.Arg3Gly (NM_001354723.2, NM_198156.3); short protein forms R3G.
Identifiers: ClinVar variation 1035825 (VCV001035825.12), dbSNP rs878854130, ClinGen allele CA351747017.
Genomic context (GRCh38, chr3:10,141,854, plus strand): 5'-TCCGACCCGCGGATCCCGCGGCGTCCGGCCCGGGTGGTCTGGATCGCGGAGGGAATGCCC[C>G]GGAGGGCGGAGAACTGGGACGAGGCCGAGGTAGGCGCGGAGGAGGCAGGCGTCGAAGAGT-3'
Protein context (NP_000542.1, residues 1-13): MP[Arg3Gly]RAENWDEAEV